The following is an entry in ClinVar:

NM_206933.4(USH2A):c.10761A>G (p.Gln3587=)

Gene: USH2A (usherin; minus strand). Cytogenetic location: 1q41.
Variant type: single nucleotide variant.
Coding change: c.10761A>G on transcript NM_206933.4 (MANE Select); coding-DNA position 10761, A replaced by G.
Protein change: p.Gln3587=; no amino-acid change (glutamine 3587 retained).
Molecular consequence: synonymous variant.
Genome position (GRCh38, 1-based): chr1:215,780,021, T>C on the plus strand (A>G on the coding strand, the complement: USH2A is on the minus strand). VCF-style: chr1-215780021-T-C. GRCh37 (hg19) VCF-style: chr1-215953363-T-C.
Identifiers: ClinVar variation 4985179 (VCV004985179.1).
Genomic context (GRCh38, chr1:215,780,021, plus strand): 5'-ATGCAGAGCCACTGCACTTAGGGCTGTGATGCTTGGTGGCAGGATGCTCTCCGGAACTCC[T>C]TGGGTAGTAGCTGCAACTACCTGAAGACGTAGGAATTAAGCAGCAATTTATTGTAATAGT-3'
Protein context (NP_996816.3, residues 3577-3597): TSSKVVAATT[Gln3587=]GVPESILPPS

ClinVar aggregate classification (germline): Likely benign (1 of 4 stars; one submission).

Conditions:
USH2A-related disorder. Also called: USH2A-related condition; USH2A-related disorders. Identifiers: MedGen CN239332.

Submission:

PreventionGenetics, part of Exact Sciences
Classification: Likely benign for USH2A-related condition. Last evaluated: 2025-08-22. Review status: criteria provided, single submitter. Criteria: ACMG Guidelines, 2015. Collection method: clinical testing. Allele origin: germline.
Comment: This variant is classified as likely benign based on ACMG/AMP sequence variant interpretation guidelines (Richards et al. 2015 PMID: 25741868, with internal and published modifications).